The following is an entry in ClinVar:

NM_004960.4(FUS):c.1540A>G (p.Arg514Gly)

Gene: FUS (FUS RNA binding protein; plus strand). Cytogenetic location: 16p11.2.
Variant type: single nucleotide variant.
Coding change: c.1540A>G on transcript NM_004960.4 (MANE Select); coding-DNA position 1540, A replaced by G.
Protein change: p.Arg514Gly; replaces arginine 514 with glycine.
Molecular consequence: missense variant. On other transcripts: non-coding transcript variant (1).
Genome position (GRCh38, 1-based): chr16:31,191,109, A>G. VCF-style: chr16-31191109-A-G. GRCh37 (hg19) VCF-style: chr16-31202430-A-G.
Other names: c.1537A>G, p.Arg513Gly (NM_001170634.1); c.1528A>G, p.Arg510Gly (NM_001170937.1); short protein forms R510G, R513G, R514G.
Identifiers: ClinVar variation 2925592 (VCV002925592.4), dbSNP rs1555509609, ClinGen allele CA395676122.

ClinVar aggregate classification (germline): Pathogenic. Review status: criteria provided, multiple submitters, no conflicts (2 of 4 stars). 2 submissions from 2 submitters: Pathogenic (2). Last evaluated 2025-05-09.

Conditions:
Amyotrophic lateral sclerosis type 6. Also called: FUS-Related Amyotrophic Laterial Sclerosis; AMYOTROPHIC LATERAL SCLEROSIS 6 WITHOUT FRONTOTEMPORAL DEMENTIA; Amyotrophic lateral sclerosis 6, with or without frontotemporal dementia. Identifiers: Orphanet 275872, Orphanet 803, MedGen C2931786, MONDO:0011951, OMIM 608030.
Tremor, hereditary essential, 4 (ETM4). Identifiers: MedGen C3539195, MONDO:0013888, OMIM 614782.

Submissions (2):

Clinical Genetics Laboratory, Skane University Hospital Lund
Classification: Pathogenic for Amyotrophic lateral sclerosis type 6. Last evaluated: 2025-05-09. Review status: criteria provided, single submitter. Criteria: ACMG Guidelines, 2015. Collection method: clinical testing. Allele origin: germline. Affected: yes.
Comment: PS3, PS4, PM2, PP1, PP3

Labcorp Genetics (formerly Invitae), Labcorp
Classification: Pathogenic for Tremor, hereditary essential, 4; Amyotrophic lateral sclerosis type 6. Last evaluated: 2023-11-17. Review status: criteria provided, single submitter. Criteria: Invitae Variant Classification Sherloc (09022015). Collection method: clinical testing. Allele origin: germline.
Comment: This sequence change replaces arginine, which is basic and polar, with glycine, which is neutral and non-polar, at codon 514 of the FUS protein (p.Arg514Gly). This variant is not present in population databases (gnomAD no frequency). This missense change has been observed in individuals with amyotrophic lateral sclerosis (PMID: 19251628, 34518945; Invitae). An algorithm developed to predict the effect of missense changes on protein structure and function (PolyPhen-2) suggests that this variant is likely to be disruptive. Experimental studies have shown that this missense change affects FUS function (PMID: 21109527, 23056579, 23474818, 24036913, 25625564, 30747709, 31630970). This variant disrupts the p.Arg514 amino acid residue in FUS. Other variant(s) that disrupt this residue have been observed in individuals with FUS-related conditions (PMID: 19450904), which suggests that this may be a clinically significant amino acid residue. For these reasons, this variant has been classified as Pathogenic.

Literature cited by the submitters: PubMed 19251628 (cited by Labcorp Genetics (formerly Invitae), Labcorp); PubMed 34518945 (cited by Labcorp Genetics (formerly Invitae), Labcorp); PubMed 21109527 (cited by Labcorp Genetics (formerly Invitae), Labcorp); PubMed 23056579 (cited by Labcorp Genetics (formerly Invitae), Labcorp); PubMed 23474818 (cited by Labcorp Genetics (formerly Invitae), Labcorp); PubMed 24036913 (cited by Labcorp Genetics (formerly Invitae), Labcorp); PubMed 25625564 (cited by Labcorp Genetics (formerly Invitae), Labcorp); PubMed 30747709 (cited by Labcorp Genetics (formerly Invitae), Labcorp); PubMed 31630970 (cited by Labcorp Genetics (formerly Invitae), Labcorp); PubMed 19450904 (cited by Labcorp Genetics (formerly Invitae), Labcorp).